The following is an entry in ClinVar:

NM_000444.6(PHEX):c.1646-3T>C

Genes: PTCHD1-AS (PTCHD1 and PHEX antisense RNA; minus strand), PHEX (phosphate regulating endopeptidase X-linked; plus strand). Cytogenetic location: Xp22.11.
Variant type: single nucleotide variant.
Coding change: c.1646-3T>C on transcript NM_000444.6 (MANE Select); 3 bases into the intron before coding-DNA position 1646, T replaced by C.
Molecular consequence: intron variant.
Genome position (GRCh38, 1-based): chrX:22,212,901, T>C. VCF-style: chrX-22212901-T-C. GRCh37 (hg19) VCF-style: chrX-22231018-T-C.
Other names: c.1646-3T>C (NM_001282754.2).
Identifiers: ClinVar variation 3598239 (VCV003598239.3).
Genomic context (GRCh38, chrX:22,212,901, plus strand): 5'-GAACCAGGTACTCATCATTGAATCAATCTCTCTATATCTCTTAACATTTTTTCCTTCTCA[T>C]AGGATTTCCAGCAGGAGAGCTCCAGAAGCCTTTCTTTTGGGGAACAGAATATCCTCGGTG-3'

ClinVar aggregate classification (germline): Uncertain significance. Review status: criteria provided, multiple submitters, no conflicts (2 of 4 stars). 2 submissions from 2 submitters: Uncertain significance (2). Last evaluated 2024-06-18.

Conditions:
Familial X-linked hypophosphatemic vitamin D refractory rickets (XLHRD). Also called: X-Linked Hypophosphatemia; Hypophosphatemia, vitamin D-resistant rickets; Vitamin D-resistant rickets, X-linked; Hypophosphatemic Rickets, X-Linked Dominant; HYPOPHOSPHATEMIC VITAMIN D-RESISTANT RICKETS. Identifiers: Orphanet 89936, MedGen C0733682, MONDO:0010619, OMIM 307800.

gnomAD v4.1: 7 of 1,194,364 alleles (0.00059%); highest among the groups gnomAD compares: African/African-American, 0.0088%; no homozygotes.

Submissions (2):

Fulgent Genetics
Classification: Uncertain significance for Familial X-linked hypophosphatemic vitamin D refractory rickets. Last evaluated: 2024-06-18. Review status: criteria provided, single submitter. Criteria: ACMG Guidelines, 2015. Collection method: clinical testing. Allele origin: germline.

Labcorp Genetics (formerly Invitae), Labcorp
Classification: Uncertain significance. Last evaluated: 2024-04-26. Review status: criteria provided, single submitter. Criteria: Invitae Variant Classification Sherloc (09022015). Collection method: clinical testing. Allele origin: germline.
Comment: This sequence change falls in intron 15 of the PHEX gene. It does not directly change the encoded amino acid sequence of the PHEX protein. It affects a nucleotide within the consensus splice site. This variant is present in population databases (rs769890187, gnomAD 0.008%). This variant has not been reported in the literature in individuals affected with PHEX-related conditions. Variants that disrupt the consensus splice site are a relatively common cause of aberrant splicing (PMID: 17576681, 9536098). Algorithms developed to predict the effect of sequence changes on RNA splicing suggest that this variant is not likely to affect RNA splicing. In summary, the available evidence is currently insufficient to determine the role of this variant in disease. Therefore, it has been classified as a Variant of Uncertain Significance.

Literature cited by the submitters: PubMed 17576681 (cited by Labcorp Genetics (formerly Invitae), Labcorp); PubMed 9536098 (cited by Labcorp Genetics (formerly Invitae), Labcorp).